The following is an entry in ClinVar:

ClinVar aggregate classification (germline): Uncertain significance (1 of 4 stars; one submission).

Conditions:
Hereditary spastic paraplegia 11. Also called: Autosomal recessive hereditary spastic paraplegia, mental impairment, and thin corpus callosum; SPASTIC PARAPLEGIA, AUTOSOMAL RECESSIVE, COMPLICATED, WITH THIN CORPUS CALLOSUM; SPASTIC PARAPLEGIA, AUTOSOMAL RECESSIVE, WITH MENTAL IMPAIRMENT AND THIN CORPUS CALLOSUM; Spastic paraplegia, mental retardation and thin corpus callosum; Spastic Paraplegia 11; Nakamura Osame syndrome. Identifiers: Orphanet 2822, MedGen C1858479, MONDO:0011445, OMIM 604360.

Submission:

Labcorp Genetics (formerly Invitae), Labcorp
Classification: Uncertain significance for Hereditary spastic paraplegia 11. Last evaluated: 2025-06-09. Review status: criteria provided, single submitter. Criteria: Invitae Variant Classification Sherloc (09022015). Collection method: clinical testing. Allele origin: germline.
Comment: This sequence change replaces phenylalanine, which is neutral and non-polar, with serine, which is neutral and polar, at codon 1442 of the SPG11 protein (p.Phe1442Ser). This variant is not present in population databases (gnomAD no frequency). This variant has not been reported in the literature in individuals affected with SPG11-related conditions. ClinVar contains an entry for this variant (Variation ID: 1482348). Invitae Evidence Modeling of protein sequence and biophysical properties (such as structural, functional, and spatial information, amino acid conservation, physicochemical variation, residue mobility, and thermodynamic stability) indicates that this missense variant is expected to disrupt SPG11 protein function with a positive predictive value of 80%. In summary, the available evidence is currently insufficient to determine the role of this variant in disease. Therefore, it has been classified as a Variant of Uncertain Significance.

NM_025137.4(SPG11):c.4325T>C (p.Phe1442Ser)

Gene: SPG11 (SPG11 vesicle trafficking associated, spatacsin; minus strand). Cytogenetic location: 15q21.1.
Variant type: single nucleotide variant.
Coding change: c.4325T>C on transcript NM_025137.4 (MANE Select); coding-DNA position 4325, T replaced by C.
Protein change: p.Phe1442Ser; replaces phenylalanine 1442 with serine.
Molecular consequence: missense variant.
Genome position (GRCh38, 1-based): chr15:44,596,192, A>G on the plus strand (T>C on the coding strand, the complement: SPG11 is on the minus strand). VCF-style: chr15-44596192-A-G. GRCh37 (hg19) VCF-style: chr15-44888390-A-G.
Other names: c.4325T>C, p.Phe1442Ser (NM_001160227.2); short protein forms F1442S.
Identifiers: ClinVar variation 1482348 (VCV001482348.6), dbSNP rs2140971902, ClinGen allele CA392227729.